The following is an entry in ClinVar:

ClinVar aggregate classification (germline): Conflicting classifications of pathogenicity. Review status: criteria provided, conflicting classifications (1 of 4 stars). 4 submissions from 4 submitters: Uncertain significance (2); Likely benign (1). 1 of the submissions does not count toward it. Last evaluated 2022-04-18.

Conditions:
Fanconi anemia complementation group C (FANCC). Also called: FANCC-Related Fanconi Anemia; Fanconi anemia, group C; FANCONI PANCYTOPENIA, TYPE 3; FACC. Identifiers: Orphanet 84, MedGen C3468041, MONDO:0009213, OMIM 227645.
Hereditary cancer-predisposing syndrome. Also called: Neoplastic Syndromes, Hereditary; Tumor predisposition; Hereditary Cancer Syndrome; Hereditary neoplastic syndrome. Identifiers: Orphanet 140162, MedGen C0027672, MeSH D009386, MONDO:0015356.
Fanconi anemia (FA). Also called: Fanconi's anemia. Identifiers: Orphanet 84, MedGen C0015625, MeSH D005199, MONDO:0019391.

Allele frequency attached by ClinVar (database versions not stated): gnomAD 0.00001; gnomAD exomes 0.00001; TOPMed 0.00001.
gnomAD v4.1: 13 of 1,613,834 alleles (0.00081%); highest among the groups gnomAD compares: East Asian, 0.0045%; no homozygotes.

Submissions (4):

Fulgent Genetics
Classification: Uncertain significance for Fanconi anemia complementation group C. Last evaluated: 2022-04-18. Review status: criteria provided, single submitter. Criteria: ACMG Guidelines, 2015. Collection method: clinical testing. Allele origin: unknown.

Labcorp Genetics (formerly Invitae), Labcorp
Classification: Uncertain significance for Fanconi anemia. Last evaluated: 2021-09-01. Review status: criteria provided, single submitter. Criteria: Invitae Variant Classification Sherloc (09022015). Collection method: clinical testing. Allele origin: germline.
Comment: This sequence change replaces glycine with serine at codon 431 of the FANCC protein (p.Gly431Ser). The glycine residue is weakly conserved and there is a small physicochemical difference between glycine and serine. This variant is not present in population databases (ExAC no frequency). This variant has not been reported in the literature in individuals affected with FANCC-related conditions. Algorithms developed to predict the effect of missense changes on protein structure and function output the following: SIFT: "Tolerated"; PolyPhen-2: "Benign"; Align-GVGD: "Class C0". The serine amino acid residue is found in multiple mammalian species, which suggests that this missense change does not adversely affect protein function. Algorithms developed to predict the effect of sequence changes on RNA splicing suggest that this variant may create or strengthen a splice site. In summary, the available evidence is currently insufficient to determine the role of this variant in disease. Therefore, it has been classified as a Variant of Uncertain Significance.

Ambry Genetics
Classification: Likely benign for Hereditary cancer-predisposing syndrome. Last evaluated: 2020-03-12. Review status: criteria provided, single submitter. Criteria: Ambry Variant Classification Scheme 2023. Collection method: clinical testing. Allele origin: germline.

Natera, Inc.
Classification: Uncertain significance for Fanconi anemia, group C. Last evaluated: 2020-01-24. Review status: no assertion criteria provided. Collection method: clinical testing. Allele origin: germline. Not counted in ClinVar's aggregate classification.

NM_000136.3(FANCC):c.1291G>A (p.Gly431Ser)

Genes: FANCC (FA complementation group C; minus strand), AOPEP (aminopeptidase O (putative); plus strand). Cytogenetic location: 9q22.32.
Variant type: single nucleotide variant.
Coding change: c.1291G>A on transcript NM_000136.3 (MANE Select); coding-DNA position 1291, G replaced by A.
Protein change: p.Gly431Ser; replaces glycine 431 with serine.
Molecular consequence: missense variant.
Genome position (GRCh38, 1-based): chr9:95,111,501, C>T on the plus strand (G>A on the coding strand, the complement: FANCC is on the minus strand). VCF-style: chr9-95111501-C-T. GRCh37 (hg19) VCF-style: chr9-97873783-C-T.
Other names: c.1291G>A, p.Gly431Ser (NM_001243743.2, NM_001243744.2); short protein forms G431S.
Identifiers: ClinVar variation 652649 (VCV000652649.11), dbSNP rs1588047887, ClinGen allele CA374107295.